The following is an entry in ClinVar:

NM_000069.3(CACNA1S):c.4114-3C>T

Gene: CACNA1S (calcium voltage-gated channel subunit alpha1 S; minus strand). Cytogenetic location: 1q32.1.
Variant type: single nucleotide variant.
Coding change: c.4114-3C>T on transcript NM_000069.3 (MANE Select); 3 bases into the intron before coding-DNA position 4114, C replaced by T.
Molecular consequence: intron variant.
Genome position (GRCh38, 1-based): chr1:201,050,519, G>A on the plus strand (C>T on the coding strand, the complement: CACNA1S is on the minus strand). VCF-style: chr1-201050519-G-A. GRCh37 (hg19) VCF-style: chr1-201019647-G-A.
Identifiers: ClinVar variation 514493 (VCV000514493.13), dbSNP rs182873269, ClinGen allele CA083110.

ClinVar aggregate classification (germline): Conflicting classifications of pathogenicity. Review status: criteria provided, conflicting classifications (1 of 4 stars). 4 submissions from 4 submitters: Uncertain significance (1); Benign (1); Likely benign (2). Last evaluated 2026-07-01.

Conditions:
Hypokalemic periodic paralysis, type 1. Also called: Hypokalemic Periodic Paralysis Type 1 (AD); HypoPP. Identifiers: Orphanet 681, MedGen C3714580, MONDO:0042979, OMIM 170400.
Malignant hyperthermia, susceptibility to, 5 (MHS5). Also called: CACNA1S-Related Malignant Hyperthermia Susceptibility. Identifiers: Orphanet 423, MedGen C1866077, MONDO:0011163, OMIM 601887.

Allele frequency attached by ClinVar (database versions not stated): gnomAD exomes 0.00002 and 0.00004; ExAC 0.00007; 1000 Genomes Project 30x 0.00016; 1000 Genomes Project 0.00020; TOPMed 0.00021; ESP Exome Variant Server 0.00023; gnomAD 0.00027 and 0.00028.
gnomAD v4.1: 86 of 1,613,970 alleles (0.0053%); highest among the groups gnomAD compares: African/African-American, 0.087%; 1 homozygote.

Submissions (4):

CeGaT Center for Human Genetics Tuebingen
Classification: Likely benign. Last evaluated: 2026-07-01. Review status: criteria provided, single submitter. Criteria: CeGaT Center For Human Genetics Tuebingen Variant Classification Criteria Version 2. Collection method: clinical testing. Allele origin: germline. Affected: yes. Observed: 1 variant allele.
Comment: CACNA1S: BP4

Labcorp Genetics (formerly Invitae), Labcorp
Classification: Uncertain significance for Hypokalemic periodic paralysis, type 1; Malignant hyperthermia, susceptibility to, 5. Last evaluated: 2025-12-15. Review status: criteria provided, single submitter. Criteria: Invitae Variant Classification Sherloc (09022015). Collection method: clinical testing. Allele origin: germline.
Comment: This sequence change falls in intron 33 of the CACNA1S gene. It does not directly change the encoded amino acid sequence of the CACNA1S protein. It affects a nucleotide within the consensus splice site. This variant is present in population databases (rs182873269, gnomAD 0.06%). This variant has not been reported in the literature in individuals affected with CACNA1S-related conditions. ClinVar contains an entry for this variant (Variation ID: 514493). Variants that disrupt the consensus splice site are a relatively common cause of aberrant splicing (PMID: 17576681, 9536098). Algorithms developed to predict the effect of sequence changes on RNA splicing suggest that this variant is not likely to affect RNA splicing. In summary, the available evidence is currently insufficient to determine the role of this variant in disease. Therefore, it has been classified as a Variant of Uncertain Significance.

Color Diagnostics, LLC DBA Color Health
Classification: Benign for Malignant hyperthermia, susceptibility to, 5. Last evaluated: 2023-01-20. Review status: criteria provided, single submitter. Criteria: ACMG Guidelines, 2015. Collection method: clinical testing. Allele origin: germline.

GeneDx
Classification: Likely benign. Last evaluated: 2020-12-08. Review status: criteria provided, single submitter. Criteria: GeneDx Variant Classification Process June 2021. Collection method: clinical testing. Allele origin: germline. Affected: yes.

Literature cited by the submitters: PubMed 17576681 (cited by Labcorp Genetics (formerly Invitae), Labcorp); PubMed 9536098 (cited by Labcorp Genetics (formerly Invitae), Labcorp).